The following is an entry in ClinVar:

NM_000422.3(KRT17):c.568C>T (p.Leu190=)

Gene: KRT17 (keratin 17; minus strand). Cytogenetic location: 17q21.2.
Variant type: single nucleotide variant.
Coding change: c.568C>T on transcript NM_000422.3 (MANE Select); coding-DNA position 568, C replaced by T.
Protein change: p.Leu190=; no amino-acid change (leucine 190 retained).
Molecular consequence: synonymous variant.
Genome position (GRCh38, 1-based): chr17:41,622,459, G>A on the plus strand (C>T on the coding strand, the complement: KRT17 is on the minus strand). VCF-style: chr17-41622459-G-A. GRCh37 (hg19) VCF-style: chr17-39778711-G-A.
Identifiers: ClinVar variation 713582 (VCV000713582.9), dbSNP rs146261696, ClinGen allele CA8563684.

ClinVar aggregate classification (germline): Likely benign. Review status: criteria provided, single submitter (1 of 4 stars). 2 submissions from 2 submitters: Likely benign (1). 1 of the submissions does not count toward it. Last evaluated 2022-10-17.

Conditions:
KRT17-related disorder. Also called: KRT17-related condition.

Allele frequency attached by ClinVar (database versions not stated): ESP Exome Variant Server 0.00031; ExAC 0.00016; gnomAD 0.00017 and 0.00018; gnomAD exomes 0.00034 and 0.00021; TOPMed 0.00022.

Submissions (2):

Labcorp Genetics (formerly Invitae), Labcorp
Classification: Likely benign. Last evaluated: 2022-10-17. Review status: criteria provided, single submitter. Criteria: Invitae Variant Classification Sherloc (09022015). Collection method: clinical testing. Allele origin: germline.

PreventionGenetics, part of Exact Sciences
Classification: Likely benign for KRT17-related condition. Last evaluated: 2024-08-15. Review status: no assertion criteria provided. Collection method: clinical testing. Allele origin: germline. Not counted in ClinVar's aggregate classification.
Comment: This variant is classified as likely benign based on ACMG/AMP sequence variant interpretation guidelines (Richards et al. 2015 PMID: 25741868, with internal and published modifications).